The following is an entry in ClinVar:

NM_000553.6(WRN):c.3897C>G (p.Cys1299Trp)

Gene: WRN (WRN RecQ like helicase; plus strand). Cytogenetic location: 8p12.
Variant type: single nucleotide variant.
Coding change: c.3897C>G on transcript NM_000553.6 (MANE Select); coding-DNA position 3897, C replaced by G.
Protein change: p.Cys1299Trp; replaces cysteine 1299 with tryptophan.
Molecular consequence: missense variant.
Genome position (GRCh38, 1-based): chr8:31,157,445, C>G. VCF-style: chr8-31157445-C-G. GRCh37 (hg19) VCF-style: chr8-31014961-C-G.
Other names: short protein forms C1299W.
Identifiers: ClinVar variation 1489063 (VCV001489063.6), dbSNP rs773822420, ClinGen allele CA370929438.

ClinVar aggregate classification (germline): Uncertain significance (1 of 4 stars; one submission).

Conditions:
Werner syndrome (WRN). Identifiers: Orphanet 902, MedGen C0043119, MONDO:0010196, OMIM 277700.

Submission:

Labcorp Genetics (formerly Invitae), Labcorp
Classification: Uncertain significance for Werner syndrome. Last evaluated: 2021-08-28. Review status: criteria provided, single submitter. Criteria: Invitae Variant Classification Sherloc (09022015). Collection method: clinical testing. Allele origin: germline.
Comment: In summary, the available evidence is currently insufficient to determine the role of this variant in disease. Therefore, it has been classified as a Variant of Uncertain Significance. Algorithms developed to predict the effect of missense changes on protein structure and function are either unavailable or do not agree on the potential impact of this missense change (SIFT: "Not Available"; PolyPhen-2: "Possibly Damaging"; Align-GVGD: "Not Available"). This variant has not been reported in the literature in individuals affected with WRN-related conditions. This variant is not present in population databases (ExAC no frequency). This sequence change replaces cysteine with tryptophan at codon 1299 of the WRN protein (p.Cys1299Trp). The cysteine residue is weakly conserved and there is a large physicochemical difference between cysteine and tryptophan.